The following is an entry in ClinVar:

NM_144670.6(A2ML1):c.508C>T (p.Gln170Ter)

Gene: A2ML1 (alpha-2-macroglobulin like 1; plus strand). Cytogenetic location: 12p13.31.
Variant type: single nucleotide variant.
Coding change: c.508C>T on transcript NM_144670.6 (MANE Select); coding-DNA position 508, C replaced by T.
Protein change: p.Gln170Ter; replaces glutamine 170 with a stop codon.
Molecular consequence: nonsense.
Genome position (GRCh38, 1-based): chr12:8,835,531, C>T. VCF-style: chr12-8835531-C-T. GRCh37 (hg19) VCF-style: chr12-8988127-C-T.
Other names: short protein forms Q170*.
Identifiers: ClinVar variation 2956153 (VCV002956153.3), dbSNP rs1186342735, ClinGen allele CA383821291.

ClinVar aggregate classification (germline): Uncertain significance (1 of 4 stars; one submission).

Allele frequency attached by ClinVar (database versions not stated): gnomAD exomes below 0.00001; gnomAD 0.00001; TOPMed 0.00001.
gnomAD v4.1: 3 of 1,614,044 alleles (0.00019%); highest among the groups gnomAD compares: South Asian, 0.0022%; no homozygotes.

Submission:

Labcorp Genetics (formerly Invitae), Labcorp
Classification: Uncertain significance. Last evaluated: 2023-07-14. Review status: criteria provided, single submitter. Criteria: Invitae Variant Classification Sherloc (09022015). Collection method: clinical testing. Allele origin: germline.
Comment: This sequence change creates a premature translational stop signal (p.Gln170*) in the A2ML1 gene. It is expected to result in an absent or disrupted protein product. However, the current clinical and genetic evidence is not sufficient to establish whether loss-of-function variants in A2ML1 cause disease. This variant is not present in population databases (gnomAD no frequency). In summary, the available evidence is currently insufficient to determine the role of this variant in disease. Therefore, it has been classified as a Variant of Uncertain Significance. Algorithms developed to predict the effect of sequence changes on RNA splicing suggest that this variant may disrupt the consensus splice site. This variant has not been reported in the literature in individuals affected with A2ML1-related conditions.